The following is an entry in ClinVar:

NM_004526.4(MCM2):c.2570C>T (p.Thr857Ile)

Genes: MCM2 (minichromosome maintenance complex component 2; plus strand), LOC107986126 (uncharacterized LOC107986126; minus strand). Cytogenetic location: 3q21.3.
Variant type: single nucleotide variant.
Coding change: c.2570C>T on transcript NM_004526.4 (MANE Select); coding-DNA position 2570, C replaced by T.
Protein change: p.Thr857Ile; replaces threonine 857 with isoleucine.
Molecular consequence: missense variant. On other transcripts: non-coding transcript variant (1).
Genome position (GRCh38, 1-based): chr3:127,621,194, C>T. VCF-style: chr3-127621194-C-T. GRCh37 (hg19) VCF-style: chr3-127340037-C-T.
Other names: c.2570C>T (NM_004526.2); short protein forms T857I.
Identifiers: ClinVar variation 1317572 (VCV001317572.9), dbSNP rs140905579, ClinGen allele CA2596286.
Genomic context (GRCh38, chr3:127,621,194, plus strand): 5'-AGCAGTTAGTGGCAGAGCAGGTGACATATCAGCGCAACCGCTTTGGGGCCCAGCAGGACA[C>T]TATTGAGGTCCCTGAGAAGGACTTGGTGGATAAGGTATGGGCCCGGAAGGGAGGTGAGGG-3'
Protein context (NP_004517.2, residues 847-867): QRNRFGAQQD[Thr857Ile]IEVPEKDLVD

ClinVar aggregate classification (germline): Conflicting classifications of pathogenicity. Review status: criteria provided, conflicting classifications (1 of 4 stars). 3 submissions from 3 submitters: Uncertain significance (2); Likely benign (1). Last evaluated 2025-05-21.

Allele frequency attached by ClinVar (database versions not stated): ESP Exome Variant Server 0.00008; gnomAD 0.00008; gnomAD exomes 0.00013; ExAC 0.00015; 1000 Genomes Project 30x 0.00016; 1000 Genomes Project 0.00020.
gnomAD v4.1: 236 of 1,614,124 alleles (0.015%); highest among the groups gnomAD compares: Non-Finnish European, 0.019%; no homozygotes.

Submissions (3):

Ambry Genetics
Classification: Uncertain significance. Last evaluated: 2025-05-21. Review status: criteria provided, single submitter. Criteria: Ambry Variant Classification Scheme 2023. Collection method: clinical testing. Allele origin: germline.

Labcorp Genetics (formerly Invitae), Labcorp
Classification: Uncertain significance. Last evaluated: 2024-11-25. Review status: criteria provided, single submitter. Criteria: Invitae Variant Classification Sherloc (09022015). Collection method: clinical testing. Allele origin: germline.
Comment: This sequence change replaces threonine, which is neutral and polar, with isoleucine, which is neutral and non-polar, at codon 857 of the MCM2 protein (p.Thr857Ile). This variant is present in population databases (rs140905579, gnomAD 0.03%), and has an allele count higher than expected for a pathogenic variant. This variant has not been reported in the literature in individuals affected with MCM2-related conditions. ClinVar contains an entry for this variant (Variation ID: 1317572). Invitae Evidence Modeling of protein sequence and biophysical properties (such as structural, functional, and spatial information, amino acid conservation, physicochemical variation, residue mobility, and thermodynamic stability) indicates that this missense variant is not expected to disrupt MCM2 protein function with a negative predictive value of 80%. In summary, the available evidence is currently insufficient to determine the role of this variant in disease. Therefore, it has been classified as a Variant of Uncertain Significance.

GeneDx
Classification: Likely benign. Last evaluated: 2019-01-25. Review status: criteria provided, single submitter. Criteria: GeneDx Variant Classification Process June 2021. Collection method: clinical testing. Allele origin: germline. Affected: yes.